The following is an entry in ClinVar:

NM_001009944.3(PKD1):c.1221del (p.Ser408fs)

Gene: PKD1 (polycystin 1, transient receptor potential channel interacting; minus strand). Cytogenetic location: 16p13.3.
Variant type: Deletion.
Coding change: c.1221del on transcript NM_001009944.3 (MANE Select); coding-DNA position 1221, one base deleted (C; older notation c.1221delC).
Protein change: p.Ser408fs; shifts the reading frame from serine 408.
Molecular consequence: frameshift variant.
Genome position (GRCh38, 1-based): chr16:2,117,653, G deleted on the plus strand (C on the coding strand, the reverse complement: PKD1 is on the minus strand); the first of 4 consecutive G bases (chr16:2,117,653-2,117,656); deleting any one gives the same sequence. VCF-style (leftmost placement, unchanged base first): chr16-2117652-AG-A. GRCh37 (hg19) VCF-style: chr16-2167653-AG-A.
Other names: c.1221delC (NM_001009944.3); c.1221del, p.Ser408fs (NM_000296.4); short protein forms S408fs.
Identifiers: ClinVar variation 4531282 (VCV004531282.2).
Genomic context (GRCh38, chr16:2,117,652, plus strand): 5'-CCGCCTTCTCCACCACCAGGCGGTAGCAGTGCCCGTTGCCAGGGAAGATCTCCGTGTCCG[AG>A]GGGCAGAGCGGGTGCACCGCTGGAGACCGGTGGGAACGAGGGTGTCAACGGTCAGTGTGG-3'

ClinVar aggregate classification (germline): Pathogenic. Review status: criteria provided, multiple submitters, no conflicts (2 of 4 stars). 2 submissions from 2 submitters: Pathogenic (2). Last evaluated 2025-10-01.

Conditions:
Polycystic kidney disease, adult type (PKD1). Also called: Polycystic Kidney, Autosomal Dominant; POLYCYSTIC KIDNEY DISEASE, ADULT, TYPE I; Polycystic Kidney Disease 1, Autosomal Dominant; Polycystic kidney disease 1; Polycystic kidney disease 1, severe; POLYCYSTIC KIDNEY DISEASE 1 WITH OR WITHOUT POLYCYSTIC LIVER DISEASE. Identifiers: MedGen C3149841, MONDO:0008263, OMIM 173900.

Submissions (2):

Women's Health and Genetics/Laboratory Corporation of America, LabCorp
Classification: Pathogenic for Polycystic kidney disease, adult type. Last evaluated: 2025-10-01. Review status: criteria provided, single submitter. Criteria: LabCorp Variant Classification Summary - May 2015. Collection method: clinical testing. Allele origin: germline.
Comment: Variant summary: PKD1 c.1221delC (p.Ser408ArgfsX57) results in a premature termination codon, predicted to cause a truncation of the encoded protein or absence of the protein due to nonsense mediated decay, which are commonly known mechanisms for disease. The frequency data for this variant in gnomAD is considered unreliable, as metrics indicate poor data quality at this position. c.1221delC has been detected as a possible sequencing artifact in a Polycystic Kidney Disease patient cohort (Borrs_2017). The following publication has been ascertained in the context of this evaluation (PMID: 28378423). No submitters have cited clinical-significance assessments for this variant to ClinVar. Based on the evidence outlined above, the variant was classified as pathogenic.

Juno Genomics, Hangzhou Juno Genomics, Inc
Classification: Pathogenic for Polycystic kidney disease, adult type. Review status: criteria provided, single submitter. Criteria: ACMG Guidelines, 2015. Collection method: clinical testing. Allele origin: germline. Affected: yes.
Comment: Absent from controls (or at extremely low frequency if recessive) in Genome Aggregation Database, Exome Sequencing Project, 1000 Genomes Project, or Exome Aggregation Consortium.;Null variant in a gene where loss of function (LOF) is a known mechanism of disease.;Patient's phenotype or family history is highly specific for a disease with a single genetic etiology.

Literature cited by the submitters: PubMed 28378423 (cited by Women's Health and Genetics/Laboratory Corporation of America, LabCorp).